The following is an entry in ClinVar:

NM_000562.3(C8A):c.1228G>A (p.Ala410Thr)

Gene: C8A (complement C8 alpha chain; plus strand). Cytogenetic location: 1p32.2.
Variant type: single nucleotide variant.
Coding change: c.1228G>A on transcript NM_000562.3 (MANE Select); coding-DNA position 1228, G replaced by A.
Protein change: p.Ala410Thr; replaces alanine 410 with threonine.
Molecular consequence: missense variant.
Genome position (GRCh38, 1-based): chr1:56,907,961, G>A. VCF-style: chr1-56907961-G-A. GRCh37 (hg19) VCF-style: chr1-57373634-G-A.
Other names: short protein forms A410T.
Identifiers: ClinVar variation 3694871 (VCV003694871.2).

ClinVar aggregate classification (germline): Uncertain significance (1 of 4 stars; one submission).

gnomAD v4.1: 34 of 1,614,086 alleles (0.0021%); highest among the groups gnomAD compares: Non-Finnish European, 0.0028%; no homozygotes.

Submission:

Labcorp Genetics (formerly Invitae), Labcorp
Classification: Uncertain significance. Last evaluated: 2024-08-30. Review status: criteria provided, single submitter. Criteria: Invitae Variant Classification Sherloc (09022015). Collection method: clinical testing. Allele origin: germline.
Comment: This sequence change replaces alanine, which is neutral and non-polar, with threonine, which is neutral and polar, at codon 410 of the C8A protein (p.Ala410Thr). This variant is present in population databases (rs767497299, gnomAD 0.003%). This variant has not been reported in the literature in individuals affected with C8A-related conditions. An algorithm developed to predict the effect of missense changes on protein structure and function (PolyPhen-2) suggests that this variant is likely to be tolerated. In summary, the available evidence is currently insufficient to determine the role of this variant in disease. Therefore, it has been classified as a Variant of Uncertain Significance.